The following is an entry in ClinVar:

ClinVar aggregate classification (germline): Uncertain significance (1 of 4 stars; one submission).

gnomAD v4.1: 1 of 1,211,407 alleles (0.000083%); highest among the groups gnomAD compares: Non-Finnish European, 0.00011%; no homozygotes.

Submission:

GeneDx
Classification: Uncertain significance. Last evaluated: 2024-05-04. Review status: criteria provided, single submitter. Criteria: GeneDx Variant Classification Process June 2021. Collection method: clinical testing. Allele origin: germline. Affected: yes.
Comment: Not observed at significant frequency in large population cohorts (gnomAD); Missense variants in this gene are a common cause of disease and they are underrepresented in the general population; In silico analysis supports that this missense variant has a deleterious effect on protein structure/function; Has not been previously published as pathogenic or benign to our knowledge

NM_006306.4(SMC1A):c.1462C>T (p.Arg488Cys)

Gene: SMC1A (structural maintenance of chromosomes 1A; minus strand). Cytogenetic location: Xp11.22.
Variant type: single nucleotide variant.
Coding change: c.1462C>T on transcript NM_006306.4 (MANE Select); coding-DNA position 1462, C replaced by T.
Protein change: p.Arg488Cys; replaces arginine 488 with cysteine.
Molecular consequence: missense variant.
Genome position (GRCh38, 1-based): chrX:53,409,145, G>A on the plus strand (C>T on the coding strand, the complement: SMC1A is on the minus strand). VCF-style: chrX-53409145-G-A. GRCh37 (hg19) VCF-style: chrX-53436076-G-A.
Other names: c.1396C>T, p.Arg466Cys (NM_001281463.1); short protein forms R466C, R488C.
Identifiers: ClinVar variation 3375531 (VCV003375531.1).